The following is an entry in ClinVar:

NM_000038.6(APC):c.1653del (p.Leu551fs)

Gene: APC (APC regulator of Wnt signaling pathway; plus strand). Cytogenetic location: 5q22.2.
Variant type: Deletion.
Coding change: c.1653del on transcript NM_000038.6 (MANE Select); coding-DNA position 1653, one base deleted (G; older notation c.1653delG).
Protein change: p.Leu551fs; shifts the reading frame from leucine 551.
Molecular consequence: frameshift variant.
Genome position (GRCh38, 1-based): chr5:112,828,882, G deleted. VCF-style (leftmost placement, unchanged base first): chr5-112828881-TG-T. GRCh37 (hg19) VCF-style: chr5-112164578-TG-T.
Other names: c.1653del, p.Leu551fs (NM_001127510.3, NM_001354895.2, NM_001407450.1); c.1599del, p.Leu533fs (NM_001127511.3); c.1707del, p.Leu569fs (NM_001354896.2, NM_001407447.1, NM_001407448.1 and 1 more transcripts); c.1683del, p.Leu561fs (NM_001354897.2); c.1578del, p.Leu526fs (NM_001354898.2); c.1569del, p.Leu523fs (NM_001354899.2); c.1530del, p.Leu510fs (NM_001354900.2); c.1476del, p.Leu492fs (NM_001354901.2, NM_001407453.1); and 11 more; short protein forms L167fs, L268fs, L460fs, L533fs, L561fs, L422fs, L450fs, L541fs.
Identifiers: ClinVar variation 3409511 (VCV003409511.1).

ClinVar aggregate classification (germline): Pathogenic (1 of 4 stars; one submission).

Conditions:
Hereditary cancer-predisposing syndrome. Also called: Neoplastic Syndromes, Hereditary; Tumor predisposition; Hereditary Cancer Syndrome; Hereditary neoplastic syndrome. Identifiers: Orphanet 140162, MedGen C0027672, MeSH D009386, MONDO:0015356.

Submission:

Ambry Genetics
Classification: Pathogenic for Hereditary cancer-predisposing syndrome. Last evaluated: 2024-07-30. Review status: criteria provided, single submitter. Criteria: Ambry Variant Classification Scheme 2023. Collection method: clinical testing. Allele origin: germline.
Comment: The c.1653delG pathogenic mutation, located in coding exon 13 of the APC gene, results from a deletion of one nucleotide at nucleotide position 1653, causing a translational frameshift with a predicted alternate stop codon (p.L551Ffs*7). This variant has been observed in at least one individual with a personal and/or family history that is consistent with familial adenomatous polyposis (Ambry internal data). In addition, this alteration is expected to result in loss of function by premature protein truncation or nonsense-mediated mRNA decay. As such, this alteration is interpreted as a disease-causing mutation.